The following is an entry in ClinVar:

NM_017514.5(PLXNA3):c.2937-5T>C

Gene: PLXNA3 (plexin A3; plus strand). Cytogenetic location: Xq28.
Variant type: single nucleotide variant.
Coding change: c.2937-5T>C on transcript NM_017514.5 (MANE Select); 5 bases into the intron before coding-DNA position 2937, T replaced by C.
Molecular consequence: intron variant.
Genome position (GRCh38, 1-based): chrX:154,466,618, T>C. VCF-style: chrX-154466618-T-C. GRCh37 (hg19) VCF-style: chrX-153694961-T-C.
Other names: c.2937-5T>C (NM_017514.4).
Identifiers: ClinVar variation 3025506 (VCV003025506.22), dbSNP rs1449005376, ClinGen allele CA645290888.

ClinVar aggregate classification (germline): Likely benign. Review status: criteria provided, single submitter (1 of 4 stars). 2 submissions from 2 submitters: Likely benign (1). 1 of the submissions does not count toward it. Last evaluated 2023-12-01.

Conditions:
PLXNA3-related disorder. Also called: PLXNA3-related condition.

Allele frequency attached by ClinVar (database versions not stated): gnomAD exomes 0.00001; gnomAD 0.00002; TOPMed 0.00003.
gnomAD v4.1: 15 of 1,201,471 alleles (0.0012%); highest among the groups gnomAD compares: Non-Finnish European, 0.0017%; no homozygotes.

Submissions (2):

CeGaT Center for Human Genetics Tuebingen
Classification: Likely benign. Last evaluated: 2023-12-01. Review status: criteria provided, single submitter. Criteria: CeGaT Center For Human Genetics Tuebingen Variant Classification Criteria Version 2. Collection method: clinical testing. Allele origin: germline. Affected: yes. Observed: 1 variant allele.
Comment: PLXNA3: BP4

PreventionGenetics, part of Exact Sciences
Classification: Likely benign for PLXNA3-related condition. Last evaluated: 2024-03-18. Review status: no assertion criteria provided. Collection method: clinical testing. Allele origin: germline. Not counted in ClinVar's aggregate classification.
Comment: This variant is classified as likely benign based on ACMG/AMP sequence variant interpretation guidelines (Richards et al. 2015 PMID: 25741868, with internal and published modifications).